The following is an entry in ClinVar:

NM_000180.4(GUCY2D):c.2312T>A (p.Val771Glu)

Gene: GUCY2D (guanylate cyclase 2D, retinal; plus strand). Cytogenetic location: 17p13.1.
Variant type: single nucleotide variant.
Coding change: c.2312T>A on transcript NM_000180.4 (MANE Select); coding-DNA position 2312, T replaced by A.
Protein change: p.Val771Glu; replaces valine 771 with glutamic acid.
Molecular consequence: missense variant.
Genome position (GRCh38, 1-based): chr17:8,013,928, T>A. VCF-style: chr17-8013928-T-A. GRCh37 (hg19) VCF-style: chr17-7917246-T-A.
Other names: short protein forms V771E.
Identifiers: ClinVar variation 1054072 (VCV001054072.9), dbSNP rs2151803073, ClinGen allele CA397953149.

ClinVar aggregate classification (germline): Uncertain significance (1 of 4 stars; one submission).

Conditions:
Leber congenital amaurosis 1 (LCA1). Also called: Congenital absence of the rods and cones; Leber's congenital tapetoretinal degeneration; Leber's congenital tapetoretinal dysplasia; AMAUROSIS CONGENITA OF LEBER I; RETINAL BLINDNESS, CONGENITAL. Identifiers: Orphanet 65, MedGen C2931258, MONDO:0008764, OMIM 204000.
Cone-rod dystrophy 6 (CORD6). Also called: Cone dystrophy progressive; RETINAL CONE DYSTROPHY 2. Identifiers: Orphanet 1872, MedGen C1866293, MONDO:0011143, OMIM 601777.

Submission:

Labcorp Genetics (formerly Invitae), Labcorp
Classification: Uncertain significance for Leber congenital amaurosis 1; Cone-rod dystrophy 6. Last evaluated: 2022-11-22. Review status: criteria provided, single submitter. Criteria: Invitae Variant Classification Sherloc (09022015). Collection method: clinical testing. Allele origin: germline.
Comment: This sequence change replaces valine, which is neutral and non-polar, with glutamic acid, which is acidic and polar, at codon 771 of the GUCY2D protein (p.Val771Glu). In summary, the available evidence is currently insufficient to determine the role of this variant in disease. Therefore, it has been classified as a Variant of Uncertain Significance. Algorithms developed to predict the effect of missense changes on protein structure and function (SIFT, PolyPhen-2, Align-GVGD) all suggest that this variant is likely to be disruptive. ClinVar contains an entry for this variant (Variation ID: 1054072). This variant has not been reported in the literature in individuals affected with GUCY2D-related conditions. This variant is not present in population databases (gnomAD no frequency).